The following is an entry in ClinVar:

NM_000275.3(OCA2):c.1978del (p.Trp660fs)

Gene: OCA2 (OCA2 melanosomal transmembrane protein; minus strand). Cytogenetic location: 15q13.1.
Variant type: Deletion.
Coding change: c.1978del on transcript NM_000275.3 (MANE Select); coding-DNA position 1978, one base deleted (T; older notation c.1978delT).
Protein change: p.Trp660fs; shifts the reading frame from tryptophan 660.
Molecular consequence: frameshift variant.
Genome position (GRCh38, 1-based): chr15:27,926,228, A deleted on the plus strand (T on the coding strand, the reverse complement: OCA2 is on the minus strand). VCF-style (leftmost placement, unchanged base first): chr15-27926227-CA-C. GRCh37 (hg19) VCF-style: chr15-28171373-CA-C.
Other names: c.1906del, p.Trp636fs (NM_001300984.2); short protein forms W660fs, W636fs.
Identifiers: ClinVar variation 2976011 (VCV002976011.3), dbSNP rs2506065990, ClinGen allele CA2740097237.

ClinVar aggregate classification (germline): Pathogenic (1 of 4 stars; one submission).

Submission:

Labcorp Genetics (formerly Invitae), Labcorp
Classification: Pathogenic. Last evaluated: 2025-11-23. Review status: criteria provided, single submitter. Criteria: Invitae Variant Classification Sherloc (09022015). Collection method: clinical testing. Allele origin: germline.
Comment: This sequence change creates a premature translational stop signal (p.Trp660Glyfs*3) in the OCA2 gene. It is expected to result in an absent or disrupted protein product. Loss-of-function variants in OCA2 are known to be pathogenic (PMID: 19865097, 21541274). This variant is not present in population databases (gnomAD no frequency). This variant has not been reported in the literature in individuals affected with OCA2-related conditions. ClinVar contains an entry for this variant (Variation ID: 2976011). For these reasons, this variant has been classified as Pathogenic.

Literature cited by the submitters: PubMed 19865097; PubMed 21541274.